The following is an entry in ClinVar:

NM_005198.5(CHKB):c.263C>T (p.Pro88Leu)

Genes: CHKB (choline kinase beta; minus strand), CHKB-CPT1B (CHKB-CPT1B readthrough (NMD candidate); minus strand). Cytogenetic location: 22q13.33.
Variant type: single nucleotide variant.
Coding change: c.263C>T on transcript NM_005198.5 (MANE Select); coding-DNA position 263, C replaced by T.
Protein change: p.Pro88Leu; replaces proline 88 with leucine.
Molecular consequence: missense variant. On other transcripts: non-coding transcript variant (1).
Genome position (GRCh38, 1-based): chr22:50,582,319, G>A on the plus strand (C>T on the coding strand, the complement: CHKB is on the minus strand). VCF-style: chr22-50582319-G-A. GRCh37 (hg19) VCF-style: chr22-51020748-G-A.
Other names: short protein forms P88L.
Identifiers: ClinVar variation 447030 (VCV000447030.18), dbSNP rs146163970, ClinGen allele CA10323839.

ClinVar aggregate classification (germline): Conflicting classifications of pathogenicity. Review status: criteria provided, conflicting classifications (1 of 4 stars). 4 submissions from 4 submitters: Uncertain significance (3); Likely benign (1). Last evaluated 2026-01-02.

Conditions:
Megaconial type congenital muscular dystrophy (MDCMC). Also called: CHKB-Related Muscle Diseases; CHKB-Related Muscular Dystrophy; MUSCULAR DYSTROPHY, CONGENITAL, WITH MITOCHONDRIAL STRUCTURAL ABNORMALITIES. Identifiers: Orphanet 280671, MedGen C1865233, MONDO:0011246, OMIM 602541.

Allele frequency attached by ClinVar (database versions not stated): gnomAD 0.00022 and 0.00025; TOPMed 0.00022; gnomAD exomes 0.00023 and 0.00030; ESP Exome Variant Server 0.00031; ExAC 0.00047.
gnomAD v4.1: 369 of 1,583,094 alleles (0.023%); highest among the groups gnomAD compares: South Asian, 0.045%; 1 homozygote.

Submissions (4):

Labcorp Genetics (formerly Invitae), Labcorp
Classification: Likely benign for Megaconial type congenital muscular dystrophy. Last evaluated: 2026-01-02. Review status: criteria provided, single submitter. Criteria: Invitae Variant Classification Sherloc (09022015). Collection method: clinical testing. Allele origin: germline.

Revvity Omics, Revvity
Classification: Uncertain significance for Megaconial type congenital muscular dystrophy. Last evaluated: 2025-03-17. Review status: criteria provided, single submitter. Criteria: ACMG Guidelines, 2015. Collection method: clinical testing. Allele origin: germline.

Women's Health and Genetics/Laboratory Corporation of America, LabCorp
Classification: Uncertain significance. Last evaluated: 2024-04-18. Review status: criteria provided, single submitter. Criteria: LabCorp Variant Classification Summary - May 2015. Collection method: clinical testing. Allele origin: germline.
Comment: Variant summary: CHKB c.263C>T (p.Pro88Leu) results in a non-conservative amino acid change in the encoded protein sequence. Four of five in-silico tools predict a damaging effect of the variant on protein function. The variant allele was found at a frequency of 0.0003 in 196110 control chromosomes. c.263C>T has been reported in the literature in two siblings with Proximal Myopathy (Brady_2016). These report(s) do not provide unequivocal conclusions about association of the variant with Megaconial Type Congenital Muscular Dystrophy. To our knowledge, no experimental evidence demonstrating an impact on protein function has been reported. The following publication have been ascertained in the context of this evaluation (PMID: 26782016). ClinVar contains an entry for this variant (Variation ID: 447030). Based on the evidence outlined above, the variant was classified as uncertain significance.

Athena Diagnostics
Classification: Uncertain significance. Last evaluated: 2016-06-07. Review status: criteria provided, single submitter. Criteria: Athena Diagnostics Criteria. Collection method: clinical testing. Allele origin: germline.

Literature cited by the submitters: PubMed 26782016 (cited by Women's Health and Genetics/Laboratory Corporation of America, LabCorp and Athena Diagnostics); PubMed 7767093 (cited by Athena Diagnostics).